The following is an entry in ClinVar:

NM_002354.3(EPCAM):c.675G>T (p.Leu225Phe)

Gene: EPCAM (epithelial cell adhesion molecule; plus strand). Cytogenetic location: 2p21.
Variant type: single nucleotide variant.
Coding change: c.675G>T on transcript NM_002354.3 (MANE Select); coding-DNA position 675, G replaced by T.
Protein change: p.Leu225Phe; replaces leucine 225 with phenylalanine.
Molecular consequence: missense variant.
Genome position (GRCh38, 1-based): chr2:47,379,786, G>T. VCF-style: chr2-47379786-G-T. GRCh37 (hg19) VCF-style: chr2-47606925-G-T.
Other names: short protein forms L225F.
Identifiers: ClinVar variation 3222131 (VCV003222131.1), dbSNP rs1380446626, ClinGen allele CA346724356.
Genomic context (GRCh38, chr2:47,379,786, plus strand): 5'-TTTCCTTAAATATTTTTAATTCCTTTTCTCCTTTTCAATACAGGTTAAAGGTGAATCCTT[G>T]TTTCATTCTAAGAAAATGGACCTGACAGTAAATGGGGAACAACTGGATCTGGATCCTGGT-3'
Protein context (NP_002345.2, residues 215-235): YFEKDVKGES[Leu225Phe]FHSKKMDLTV

ClinVar aggregate classification (germline): Uncertain significance (1 of 4 stars; one submission).

Conditions:
Hereditary cancer-predisposing syndrome. Also called: Tumor predisposition; Hereditary neoplastic syndrome; Hereditary Cancer Syndrome; Neoplastic Syndromes, Hereditary. Identifiers: Orphanet 140162, MedGen C0027672, MeSH D009386, MONDO:0015356.

Submission:

Ambry Genetics
Classification: Uncertain significance for Hereditary cancer-predisposing syndrome. Last evaluated: 2023-11-27. Review status: criteria provided, single submitter. Criteria: Ambry Variant Classification Scheme 2023. Collection method: clinical testing. Allele origin: germline.
Comment: The p.L225F variant (also known as c.675G>T), located in coding exon 7 of the EPCAM gene, results from a G to T substitution at nucleotide position 675. The leucine at codon 225 is replaced by phenylalanine, an amino acid with highly similar properties. This amino acid position is conserved. In addition, this alteration is predicted to be tolerated by in silico analysis. Since supporting evidence is limited at this time, the clinical significance of this alteration remains unclear.